The following is an entry in ClinVar:

ClinVar aggregate classification (germline): Benign/Likely benign. Review status: criteria provided, multiple submitters, no conflicts (2 of 4 stars). 5 submissions from 5 submitters: Benign (1); Likely benign (3). 1 of the submissions does not count toward it. Last evaluated 2026-01-14.

Conditions:
FG syndrome (FGS). Identifiers: MedGen C0220769, MONDO:0002010.
MED12-Related Disorders. Also called: MED12-related condition; MED12-related disorder. Identifiers: MedGen CN381102.
Familial thoracic aortic aneurysm and aortic dissection (TAAD). Also called: Thoracic aortic aneurysms and dissections. Identifiers: Orphanet 91387, MedGen C4707243, MONDO:0019625.

Allele frequency attached by ClinVar (database versions not stated): gnomAD 0.00019; ESP Exome Variant Server 0.00020; TOPMed 0.00026.
gnomAD v4.1: 73 of 1,208,678 alleles (0.006%); highest among the groups gnomAD compares: African/African-American, 0.064%; no homozygotes.

Submissions (5):

Labcorp Genetics (formerly Invitae), Labcorp
Classification: Likely benign for FG syndrome. Last evaluated: 2026-01-14. Review status: criteria provided, single submitter. Criteria: Invitae Variant Classification Sherloc (09022015). Collection method: clinical testing. Allele origin: germline.

CeGaT Center for Human Genetics Tuebingen
Classification: Likely benign. Last evaluated: 2023-02-01. Review status: criteria provided, single submitter. Criteria: CeGaT Center For Human Genetics Tuebingen Variant Classification Criteria Version 2. Collection method: clinical testing. Allele origin: germline. Affected: yes. Observed: 1 variant allele.
Comment: MED12: BP4, BP7, BS2

Blueprint Genetics
Classification: Likely benign. Last evaluated: 2022-08-02. Review status: criteria provided, single submitter. Criteria: ACMG Guidelines, 2015. Collection method: clinical testing. Allele origin: germline.

Ambry Genetics
Classification: Benign for Familial thoracic aortic aneurysm and aortic dissection. Last evaluated: 2017-02-22. Review status: criteria provided, single submitter. Criteria: Ambry Variant Classification Scheme 2023. Collection method: clinical testing. Allele origin: germline.

PreventionGenetics, part of Exact Sciences
Classification: Likely benign for MED12-related condition. Last evaluated: 2024-04-24. Review status: no assertion criteria provided. Collection method: clinical testing. Allele origin: germline. Not counted in ClinVar's aggregate classification.
Comment: This variant is classified as likely benign based on ACMG/AMP sequence variant interpretation guidelines (Richards et al. 2015 PMID: 25741868, with internal and published modifications).

NM_005120.3(MED12):c.708C>T (p.Thr236=)

Gene: MED12 (mediator complex subunit 12; plus strand). Cytogenetic location: Xq13.1.
Variant type: single nucleotide variant.
Coding change: c.708C>T on transcript NM_005120.3 (MANE Select); coding-DNA position 708, C replaced by T.
Protein change: p.Thr236=; no amino-acid change (threonine 236 retained).
Molecular consequence: synonymous variant.
Genome position (GRCh38, 1-based): chrX:71,121,125, C>T. VCF-style: chrX-71121125-C-T. GRCh37 (hg19) VCF-style: chrX-70340975-C-T.
Identifiers: ClinVar variation 415266 (VCV000415266.39), dbSNP rs34668206, ClinGen allele CA10444059.
Genomic context (GRCh38, chrX:71,121,125, plus strand): 5'-TTCCACGATAGGGCCCTTGCCCCATGATGTAGAGGTGGCAATCCGGCAGTGGGATTACAC[C>T]GAGAAGCTGGCCATGTTCATGTTTCAGGTAGAGAGTAGGGCATGCTGTGTGGGGCATTGG-3'
Protein context (NP_005111.2, residues 226-246): VEVAIRQWDY[Thr236=]EKLAMFMFQD